The following is an entry in ClinVar:

NM_006767.4(LZTR1):c.610A>G (p.Thr204Ala)

Gene: LZTR1 (leucine zipper like post translational regulator 1; plus strand). Cytogenetic location: 22q11.21.
Variant type: single nucleotide variant.
Coding change: c.610A>G on transcript NM_006767.4 (MANE Select); coding-DNA position 610, A replaced by G.
Protein change: p.Thr204Ala; replaces threonine 204 with alanine.
Molecular consequence: missense variant.
Genome position (GRCh38, 1-based): chr22:20,989,641, A>G. VCF-style: chr22-20989641-A-G. GRCh37 (hg19) VCF-style: chr22-21343930-A-G.
Other names: short protein forms T204A.
Identifiers: ClinVar variation 1751654 (VCV001751654.4), dbSNP rs2518614880, ClinGen allele CA410780310.

ClinVar aggregate classification (germline): Uncertain significance. Review status: criteria provided, multiple submitters, no conflicts (2 of 4 stars). 3 submissions from 3 submitters: Uncertain significance (3). Last evaluated 2025-07-21.

Conditions:
Cardiovascular phenotype. Identifiers: MedGen CN230736.
Hereditary cancer-predisposing syndrome. Also called: Hereditary Cancer Syndrome; Hereditary neoplastic syndrome; Neoplastic Syndromes, Hereditary; Tumor predisposition. Identifiers: Orphanet 140162, MedGen C0027672, MeSH D009386, MONDO:0015356.

Submissions (3):

Labcorp Genetics (formerly Invitae), Labcorp
Classification: Uncertain significance. Last evaluated: 2025-07-21. Review status: criteria provided, single submitter. Criteria: Invitae Variant Classification Sherloc (09022015). Collection method: clinical testing. Allele origin: germline.
Comment: This sequence change replaces threonine, which is neutral and polar, with alanine, which is neutral and non-polar, at codon 204 of the LZTR1 protein (p.Thr204Ala). This variant is not present in population databases (gnomAD no frequency). This variant has not been reported in the literature in individuals affected with LZTR1-related conditions. ClinVar contains an entry for this variant (Variation ID: 1751654). Invitae Evidence Modeling of protein sequence and biophysical properties (such as structural, functional, and spatial information, amino acid conservation, physicochemical variation, residue mobility, and thermodynamic stability) indicates that this missense variant is not expected to disrupt LZTR1 protein function with a negative predictive value of 80%. Algorithms developed to predict the effect of sequence changes on RNA splicing suggest that this variant may disrupt the consensus splice site. In summary, the available evidence is currently insufficient to determine the role of this variant in disease. Therefore, it has been classified as a Variant of Uncertain Significance.

GeneDx
Classification: Uncertain significance. Last evaluated: 2024-05-08. Review status: criteria provided, single submitter. Criteria: GeneDx Variant Classification Process June 2021. Collection method: clinical testing. Allele origin: germline. Affected: yes.
Comment: Not observed at significant frequency in large population cohorts (gnomAD); In silico analysis supports that this missense variant has a deleterious effect on protein structure/function; Has not been previously published as pathogenic or benign to our knowledge; In silico analysis is inconclusive as to whether the variant alters gene splicing. In the absence of RNA/functional studies, the actual effect of this sequence change is unknown

Ambry Genetics
Classification: Uncertain significance for Cardiovascular phenotype; Hereditary cancer-predisposing syndrome. Last evaluated: 2020-11-19. Review status: criteria provided, single submitter. Criteria: Ambry Variant Classification Scheme 2023. Collection method: clinical testing. Allele origin: germline.
Comment: The p.T204A variant (also known as c.610A>G), located in coding exon 7 of the LZTR1 gene, results from an A to G substitution at nucleotide position 610. The threonine at codon 204 is replaced by alanine, an amino acid with similar properties. This amino acid position is highly conserved in available vertebrate species. In addition, the in silico prediction for this alteration is inconclusive. Since supporting evidence is limited at this time, the clinical significance of this alteration remains unclear.